The following is an entry in ClinVar:

ClinVar aggregate classification (germline): Likely benign. Review status: criteria provided, multiple submitters, no conflicts (2 of 4 stars). 3 submissions from 3 submitters: Likely benign (2). 1 of the submissions does not count toward it. Last evaluated 2026-01-04.

Conditions:
Cardiovascular phenotype. Identifiers: MedGen CN230736.
Wolman disease (WOLD). Also called: Wolman disease with hypolipoproteinemia and acanthocytosis; LYSOSOMAL ACID LIPASE DEFICIENCY, ACUTE INFANTILE; LYSOSOMAL ACID LIPASE DEFICIENCY, COMPLETE; LIPA DEFICIENCY, COMPLETE; LAL DEFICIENCY, COMPLETE; CHOLESTEROL ESTER HYDROLASE DEFICIENCY, COMPLETE. Identifiers: Orphanet 75233, MedGen C0043208, MONDO:0019148, OMIM 620151.
LIPA-related disorder. Also called: LIPA-related condition; LIPA-related disorders.

Allele frequency attached by ClinVar (database versions not stated): gnomAD 0.00001 and 0.00002; gnomAD exomes 0.00001 and 0.00008; TOPMed 0.00001; ExAC 0.00002.
gnomAD v4.1: 116 of 1,585,844 alleles (0.0073%); highest among the groups gnomAD compares: East Asian, 0.26%; no homozygotes.

Submissions (3):

Labcorp Genetics (formerly Invitae), Labcorp
Classification: Likely benign for Wolman disease. Last evaluated: 2026-01-04. Review status: criteria provided, single submitter. Criteria: Invitae Variant Classification Sherloc (09022015). Collection method: clinical testing. Allele origin: germline.

Ambry Genetics
Classification: Likely benign for Cardiovascular phenotype. Last evaluated: 2022-09-24. Review status: criteria provided, single submitter. Criteria: Ambry Variant Classification Scheme 2023. Collection method: clinical testing. Allele origin: germline.

PreventionGenetics, part of Exact Sciences
Classification: Likely benign for LIPA-related condition. Last evaluated: 2022-12-28. Review status: no assertion criteria provided. Collection method: clinical testing. Allele origin: germline. Not counted in ClinVar's aggregate classification.
Comment: This variant is classified as likely benign based on ACMG/AMP sequence variant interpretation guidelines (Richards et al. 2015 PMID: 25741868, with internal and published modifications).

NM_000235.4(LIPA):c.135A>T (p.Gly45=)

Gene: LIPA (lipase A, lysosomal acid type; minus strand). Cytogenetic location: 10q23.31.
Variant type: single nucleotide variant.
Coding change: c.135A>T on transcript NM_000235.4 (MANE Select); coding-DNA position 135, A replaced by T.
Protein change: p.Gly45=; no amino-acid change (glycine 45 retained).
Molecular consequence: synonymous variant. On other transcripts: intron variant (1).
Genome position (GRCh38, 1-based): chr10:89,245,770, T>A on the plus strand (A>T on the coding strand, the complement: LIPA is on the minus strand). VCF-style: chr10-89245770-T-A. GRCh37 (hg19) VCF-style: chr10-91005527-T-A.
Other names: c.135A>T, p.Gly45= (NM_001127605.3); c.-120+5967A>T (NM_001288979.2).
Identifiers: ClinVar variation 766669 (VCV000766669.15), dbSNP rs760789213, ClinGen allele CA5593802.